The following is an entry in ClinVar:

ClinVar aggregate classification (germline): Uncertain significance (1 of 4 stars; one submission).

Submission:

GeneDx
Classification: Uncertain significance. Last evaluated: 2024-05-31. Review status: criteria provided, single submitter. Criteria: GeneDx Variant Classification Process June 2021. Collection method: clinical testing. Allele origin: germline. Affected: yes.
Comment: Not observed at significant frequency in large population cohorts (gnomAD); In silico analysis supports that this missense variant has a deleterious effect on protein structure/function; Has not been previously published as pathogenic or benign to our knowledge

NM_206933.4(USH2A):c.148T>C (p.Ser50Pro)

Gene: USH2A (usherin; minus strand). Cytogenetic location: 1q41.
Variant type: single nucleotide variant.
Coding change: c.148T>C on transcript NM_206933.4 (MANE Select); coding-DNA position 148, T replaced by C.
Protein change: p.Ser50Pro; replaces serine 50 with proline.
Molecular consequence: missense variant.
Genome position (GRCh38, 1-based): chr1:216,422,189, A>G on the plus strand (T>C on the coding strand, the complement: USH2A is on the minus strand). VCF-style: chr1-216422189-A-G. GRCh37 (hg19) VCF-style: chr1-216595531-A-G.
Other names: c.148T>C, p.Ser50Pro (NM_007123.6); short protein forms S50P.
Identifiers: ClinVar variation 3383725 (VCV003383725.1).
Genomic context (GRCh38, chr1:216,422,189, plus strand): 5'-AGCTGTGACAAAAAGTGCTTCGGTCTGGGAGTCCACATACTGCTTGGGTTGGCACGATGG[A>G]AACTTTCTTGAAAGCTCCCACGTTCTCCAGCCTTGGGAAAAGACCTCGTGACTCAGTCAA-3'
Protein context (NP_996816.3, residues 40-60): LENVGAFKKV[Ser50Pro]IVPTQAVCGL